The following is an entry in ClinVar:

NM_003073.5(SMARCB1):c.1012A>C (p.Ile338Leu)

Gene: SMARCB1 (SWI/SNF related BAF chromatin remodeling complex subunit B1; plus strand). Cytogenetic location: 22q11.23.
Variant type: single nucleotide variant.
Coding change: c.1012A>C on transcript NM_003073.5 (MANE Select); coding-DNA position 1012, A replaced by C.
Protein change: p.Ile338Leu; replaces isoleucine 338 with leucine.
Molecular consequence: missense variant.
Genome position (GRCh38, 1-based): chr22:23,833,597, A>C. VCF-style: chr22-23833597-A-C. GRCh37 (hg19) VCF-style: chr22-24175784-A-C.
Other names: c.985A>C, p.Ile329Leu (NM_001007468.3); c.1039A>C, p.Ile347Leu (NM_001317946.2); c.1066A>C, p.Ile356Leu (NM_001362877.2); short protein forms I329L, I338L, I347L, I356L.
Identifiers: ClinVar variation 1055761 (VCV001055761.9), dbSNP rs2146041824, ClinGen allele CA410913022.

ClinVar aggregate classification (germline): Uncertain significance (1 of 4 stars; one submission).

Submission:

Labcorp Genetics (formerly Invitae), Labcorp
Classification: Uncertain significance. Last evaluated: 2020-02-21. Review status: criteria provided, single submitter. Criteria: Invitae Variant Classification Sherloc (09022015). Collection method: clinical testing. Allele origin: germline.
Comment: In summary, the available evidence is currently insufficient to determine the role of this variant in disease. Therefore, it has been classified as a Variant of Uncertain Significance. Algorithms developed to predict the effect of missense changes on protein structure and function (SIFT, PolyPhen-2, Align-GVGD) all suggest that this variant is likely to be tolerated, but these predictions have not been confirmed by published functional studies and their clinical significance is uncertain. This variant has not been reported in the literature in individuals with SMARCB1-related conditions. This variant is not present in population databases (ExAC no frequency). This sequence change replaces isoleucine with leucine at codon 338 of the SMARCB1 protein (p.Ile338Leu). The isoleucine residue is moderately conserved and there is a small physicochemical difference between isoleucine and leucine.